The following is an entry in ClinVar:

ClinVar aggregate classification (germline): Pathogenic (1 of 4 stars; one submission).

Conditions:
X-linked Alport syndrome (ATS1). Also called: NEPHROPATHY AND DEAFNESS, X-LINKED; COL4A5-Related Nephropathy. Identifiers: Orphanet 63, Orphanet 88917, MedGen C4746986, MONDO:0010520, OMIM 301050.

Submission:

Centre de Génétique Humaine, Institut de Pathologie Et de Génétique
Classification: Pathogenic for X-linked Alport syndrome. Last evaluated: 2026-06-05. Review status: criteria provided, single submitter. Criteria: ACMG Guidelines, 2015. Collection method: clinical testing. Allele origin: paternal. Inheritance: X-linked dominant inheritance. Affected: yes. Observed: 1 variant allele, 1 heterozygote. Segregation with disease observed.
Comment: Intragenic deletion of coding region carboxy-terminal non collagenous domain (four exons) (2E: 0.9). CNV segregates with a consistent phenotype observed in the patient’s family (5D:0.15)

NM_033380.3:c.(4528+1_4529-1)_(*220_?)del

Gene: COL4A5 (collagen type IV alpha 5 chain; plus strand).
Variant type: Deletion.
Other names: c.(4528+1_4529-1)_(*220_?)del (NM_033380.3).
Identifiers: ClinVar variation 5041992 (VCV005041992.1).